The following is an entry in ClinVar:

NM_199420.4(POLQ):c.6841G>A (p.Gly2281Ser)

Gene: POLQ (DNA polymerase theta; minus strand). Cytogenetic location: 3q13.33.
Variant type: single nucleotide variant.
Coding change: c.6841G>A on transcript NM_199420.4 (MANE Select); coding-DNA position 6841, G replaced by A.
Protein change: p.Gly2281Ser; replaces glycine 2281 with serine.
Molecular consequence: missense variant.
Genome position (GRCh38, 1-based): chr3:121,468,309, C>T on the plus strand (G>A on the coding strand, the complement: POLQ is on the minus strand). VCF-style: chr3-121468309-C-T. GRCh37 (hg19) VCF-style: chr3-121187156-C-T.
Other names: short protein forms G2281S.
Identifiers: ClinVar variation 2448652 (VCV002448652.2), dbSNP rs748027236, ClinGen allele CA2562350.

ClinVar aggregate classification (germline): Uncertain significance (1 of 4 stars; one submission).

Allele frequency attached by ClinVar (database versions not stated): gnomAD 0.00001; gnomAD exomes 0.00001; TOPMed 0.00001; ExAC 0.00004.
gnomAD v4.1: 19 of 1,611,478 alleles (0.0012%); highest among the groups gnomAD compares: Admixed American, 0.0034%; no homozygotes.

Submission:

Ambry Genetics
Classification: Uncertain significance. Last evaluated: 2023-01-11. Review status: criteria provided, single submitter. Criteria: Ambry Variant Classification Scheme 2023. Collection method: clinical testing. Allele origin: germline.
Comment: The p.G2281S variant (also known as c.6841G>A), located in coding exon 23 of the POLQ gene, results from a G to A substitution at nucleotide position 6841. The glycine at codon 2281 is replaced by serine, an amino acid with similar properties. This amino acid position is conserved. In addition, this alteration is predicted to be tolerated by in silico analysis. Since supporting evidence is limited at this time, the clinical significance of this alteration remains unclear.